The following is an entry in ClinVar:

ClinVar aggregate classification (germline): Uncertain significance (1 of 4 stars; one submission).

Conditions:
EP300-related disorder. Also called: EP300-related condition; EP300-related disorders.

gnomAD v4.1: 17 of 1,614,064 alleles (0.0011%); highest among the groups gnomAD compares: Non-Finnish European, 0.00068%; no homozygotes.

Submission:

PreventionGenetics, part of Exact Sciences
Classification: Uncertain significance for EP300-related condition. Last evaluated: 2026-05-21. Review status: criteria provided, single submitter. Criteria: ACMG Guidelines, 2015. Collection method: clinical testing. Allele origin: germline.
Comment: The EP300 c.4621A>G variant is predicted to result in the amino acid substitution p.Thr1541Ala. To our knowledge, this variant has not been reported in the literature. This variant is reported in 0.016% of alleles in individuals of European (Finnish) descent in gnomAD. At this time, the clinical significance of this variant is uncertain due to the absence of conclusive functional and genetic evidence.

NM_001429.4(EP300):c.4621A>G (p.Thr1541Ala)

Gene: EP300 (EP300 lysine acetyltransferase; plus strand). Cytogenetic location: 22q13.2.
Variant type: single nucleotide variant.
Coding change: c.4621A>G on transcript NM_001429.4 (MANE Select); coding-DNA position 4621, A replaced by G.
Protein change: p.Thr1541Ala; replaces threonine 1541 with alanine.
Molecular consequence: missense variant.
Genome position (GRCh38, 1-based): chr22:41,173,626, A>G. VCF-style: chr22-41173626-A-G. GRCh37 (hg19) VCF-style: chr22-41569630-A-G.
Other names: c.4543A>G, p.Thr1515Ala (NM_001362843.2); short protein forms T1541A, T1515A.
Identifiers: ClinVar variation 4989473 (VCV004989473.1).
Genomic context (GRCh38, chr22:41,173,626, plus strand): 5'-TTCCCAAATTACTTAACAAAAACCTTATTTTCTTGTCTCCTTTGTGCTACTCTGCAGGTG[A>G]CCAAGGGAGACAGCAAAAATGCTAAAAAGAAGAATAATAAGAAAACCAGCAAAAATAAGA-3'
Protein context (NP_001420.2, residues 1531-1551): ENTSNESTDV[Thr1541Ala]KGDSKNAKKK